The following is an entry in ClinVar:

ClinVar aggregate classification (germline): Uncertain significance (1 of 4 stars; one submission).

Conditions:
Holoprosencephaly 3 (HPE3). Identifiers: Orphanet 2162, MedGen C1840529, MONDO:0007733, OMIM 142945.

Submission:

Labcorp Genetics (formerly Invitae), Labcorp
Classification: Uncertain significance for Holoprosencephaly 3. Last evaluated: 2023-02-08. Review status: criteria provided, single submitter. Criteria: Invitae Variant Classification Sherloc (09022015). Collection method: clinical testing. Allele origin: germline.
Comment: In summary, the available evidence is currently insufficient to determine the role of this variant in disease. Therefore, it has been classified as a Variant of Uncertain Significance. Experimental studies and prediction algorithms are not available or were not evaluated, and the effect of this variant on mRNA splicing is currently unknown. This variant has not been reported in the literature in individuals affected with SHH-related conditions. This variant is not present in population databases (gnomAD no frequency). This variant occurs in a non-coding region of the SHH gene. It does not change the encoded amino acid sequence of the SHH protein.

NC_000007.14:g.156796080T>C

Genes: LMBR1 (limb development membrane protein 1; minus strand), SHH (sonic hedgehog signaling molecule; minus strand). Cytogenetic location: 7q36.3.
Variant type: single nucleotide variant.
Molecular consequence: intron variant (on NM_022458.4).
Genome position: GRCh38 VCF-style: chr7-156796080-T-C. GRCh37 (hg19) VCF-style: chr7-156588774-T-C.
Other names: c.360+309A>G (NM_001363412.2); c.144+309A>G (NM_001350954.2); c.423+309A>G (NM_001363410.2, NM_022458.4, NM_001363409.2 and 1 more transcripts); c.-112+309A>G (NM_001350958.2, NM_001350956.2, NM_001350955.2 and 1 more transcripts); c.54+309A>G (NM_001350957.2, NM_001363411.2).
Identifiers: ClinVar variation 2819370 (VCV002819370.3), dbSNP rs2536195209, ClinGen allele CA2739277994.
Genomic context (GRCh38, chr7:156,796,080, plus strand): 5'-TTAACGTATGGAATAACAGCTAGATAACAGAAAGGGGAGCCCATGGAAATAACACTTTAC[T>C]GTCACCTTAAACTAAATAAGATACCCTAAGGAAAGAATAAAAGCTATTATATCAGGTTTA-3'